The following is an entry in ClinVar:

NM_004970.3(IGFALS):c.451C>G (p.Leu151Val)

Gene: IGFALS (insulin like growth factor binding protein acid labile subunit; minus strand). Cytogenetic location: 16p13.3.
Variant type: single nucleotide variant.
Coding change: c.451C>G on transcript NM_004970.3 (MANE Select); coding-DNA position 451, C replaced by G.
Protein change: p.Leu151Val; replaces leucine 151 with valine.
Molecular consequence: missense variant. On other transcripts: non-coding transcript variant (1).
Genome position (GRCh38, 1-based): chr16:1,791,967, G>C on the plus strand (C>G on the coding strand, the complement: IGFALS is on the minus strand). VCF-style: chr16-1791967-G-C. GRCh37 (hg19) VCF-style: chr16-1841968-G-C.
Other names: c.565C>G, p.Leu189Val (NM_001146006.2); short protein forms L151V, L189V.
Identifiers: ClinVar variation 3361292 (VCV003361292.1).

ClinVar aggregate classification (germline): Uncertain significance (1 of 4 stars; one submission).

Submission:

GeneDx
Classification: Uncertain significance. Last evaluated: 2023-07-30. Review status: criteria provided, single submitter. Criteria: GeneDx Variant Classification Process June 2021. Collection method: clinical testing. Allele origin: germline. Affected: yes.
Comment: Not observed at significant frequency in large population cohorts (gnomAD); In silico analysis supports that this missense variant has a deleterious effect on protein structure/function; Has not been previously published as pathogenic or benign to our knowledge